The following is an entry in ClinVar:

ClinVar aggregate classification (germline): Uncertain significance (1 of 4 stars; one submission).

Conditions:
Neonatal-onset encephalopathy with rigidity and seizures. Also called: Lethal neonatal spasticity-epileptic encephalopathy syndrome. Identifiers: Orphanet 435845, MedGen C3281029, MONDO:0013784, OMIM 614498.

Allele frequency attached by ClinVar (database versions not stated): ESP Exome Variant Server 0.00008; gnomAD exomes below 0.00001; TOPMed below 0.00001; gnomAD 0.00001; ExAC 0.00008.
gnomAD v4.1: 6 of 1,577,184 alleles (0.00038%); highest among the groups gnomAD compares: African/African-American, 0.0027%; no homozygotes.

Submission:

Labcorp Genetics (formerly Invitae), Labcorp
Classification: Uncertain significance for Neonatal-onset encephalopathy with rigidity and seizures. Last evaluated: 2026-02-02. Review status: criteria provided, single submitter. Criteria: Invitae Variant Classification Sherloc (09022015). Collection method: clinical testing. Allele origin: germline.
Comment: This sequence change replaces leucine, which is neutral and non-polar, with valine, which is neutral and non-polar, at codon 524 of the BRAT1 protein (p.Leu524Val). The frequency data for this variant in the population databases is considered unreliable, as metrics indicate poor data quality at this position in the gnomAD database. This variant has not been reported in the literature in individuals affected with BRAT1-related conditions. ClinVar contains an entry for this variant (Variation ID: 2134472). Invitae Evidence Modeling of protein sequence and biophysical properties (such as structural, functional, and spatial information, amino acid conservation, physicochemical variation, residue mobility, and thermodynamic stability) has been performed for this missense variant. However, the output from this modeling did not meet the statistical confidence thresholds required to predict the impact of this variant on BRAT1 protein function. In summary, the available evidence is currently insufficient to determine the role of this variant in disease. Therefore, it has been classified as a Variant of Uncertain Significance.

NM_152743.4(BRAT1):c.1570C>G (p.Leu524Val)

Gene: BRAT1 (BRCA1 associated ATM activator 1; minus strand). Cytogenetic location: 7p22.3.
Variant type: single nucleotide variant.
Coding change: c.1570C>G on transcript NM_152743.4 (MANE Select); coding-DNA position 1570, C replaced by G.
Protein change: p.Leu524Val; replaces leucine 524 with valine.
Molecular consequence: missense variant. On other transcripts: non-coding transcript variant (1).
Genome position (GRCh38, 1-based): chr7:2,539,571, G>C on the plus strand (C>G on the coding strand, the complement: BRAT1 is on the minus strand). VCF-style: chr7-2539571-G-C. GRCh37 (hg19) VCF-style: chr7-2579205-G-C.
Other names: c.1570C>G, p.Leu524Val (NM_001350626.2); c.1045C>G, p.Leu349Val (NM_001350627.2); short protein forms L349V, L524V.
Identifiers: ClinVar variation 2134472 (VCV002134472.4), dbSNP rs140095103, ClinGen allele CA4127690.
Genomic context (GRCh38, chr7:2,539,571, plus strand): 5'-GGGAAGGCAGCCCCTCCACCTGCCAGCACTCACCTCCCCAGTGCCTGCTCAGCTGGGTCA[G>C]GAACTCGAGGGCGGAGTCCCTCACCTCCCAGCAGGGGTGGCACAGGCGTTTCTGCAGCAC-3'
Protein context (NP_689956.2, residues 514-534): WEVRDSALEF[Leu524Val]TQLSRHWGGQ